The following is an entry in ClinVar:

NM_007294.4(BRCA1):c.5465A>G (p.His1822Arg)

Gene: BRCA1 (BRCA1 DNA repair associated; minus strand). Cytogenetic location: 17q21.31.
Variant type: single nucleotide variant.
Coding change: c.5465A>G on transcript NM_007294.4 (MANE Select); coding-DNA position 5465, A replaced by G.
Protein change: p.His1822Arg; replaces histidine 1822 with arginine.
Molecular consequence: missense variant. On other transcripts: synonymous variant (17).
Genome position (GRCh38, 1-based): chr17:43,047,645, T>C on the plus strand (A>G on the coding strand, the complement: BRCA1 is on the minus strand). VCF-style: chr17-43047645-T-C. GRCh37 (hg19) VCF-style: chr17-41199662-T-C.
Other names: c.5252A>G, p.His1751Arg (NM_001407571.1, NM_001407894.1, NM_001407895.1 and 12 more transcripts); c.5531A>G, p.His1844Arg (NM_001407581.1, NM_001407582.1); c.5528A>G, p.His1843Arg (NM_001407583.1, NM_001407585.1, NM_001407587.1 and 1 more transcripts); c.5525A>G, p.His1842Arg (NM_001407590.1, NM_001407591.1); c.5462A>G, p.His1821Arg (NM_001407612.1, NM_001407613.1, NM_001407614.1 and 14 more transcripts); c.5459A>G, p.His1820Arg (NM_001407627.1, NM_001407628.1, NM_001407629.1 and 13 more transcripts); c.5456A>G, p.His1819Arg (NM_001407644.1, NM_001407645.1); c.5453A>G, p.His1818Arg (NM_001407646.1); and 83 more; short protein forms H1775R, H1843R, H718R, H1822R, H542R, H591R, H592R, H606R.
Identifiers: ClinVar variation 868521 (VCV000868521.7), dbSNP rs2050976068, ClinGen allele CA10590426.

ClinVar aggregate classification (germline): Conflicting classifications of pathogenicity. Review status: criteria provided, conflicting classifications (1 of 4 stars). 2 submissions from 2 submitters: Uncertain significance (1); Likely benign (1). Last evaluated 2022-05-01.

Conditions:
Hereditary breast ovarian cancer syndrome. Also called: Hereditary breast and ovarian cancer; Hereditary breast and ovarian cancer syndrome (HBOC); Breast and ovarian cancer; Hereditary breast and/or ovarian cancer syndrome; BRCA1- and BRCA2-Associated Hereditary Breast and Ovarian Cancer; Hereditary breast and ovarian cancer syndrome. Identifiers: Orphanet 145, MedGen C0677776, MeSH D061325, MONDO:0003582. Disease mechanism: loss of function.
Hereditary cancer-predisposing syndrome. Also called: Neoplastic Syndromes, Hereditary; Tumor predisposition; Hereditary Cancer Syndrome; Hereditary neoplastic syndrome. Identifiers: Orphanet 140162, MedGen C0027672, MeSH D009386, MONDO:0015356.

Allele frequency attached by ClinVar (database versions not stated): gnomAD exomes below 0.00001.
gnomAD v4.1: 3 of 1,614,192 alleles (0.00019%); highest among the groups gnomAD compares: Non-Finnish European, 0.00025%; no homozygotes.

Submissions (3):

Labcorp Genetics (formerly Invitae), Labcorp
Classification: Uncertain significance for Hereditary breast ovarian cancer syndrome. Last evaluated: 2022-05-01. Review status: criteria provided, single submitter. Criteria: Invitae Variant Classification Sherloc (09022015). Collection method: clinical testing. Allele origin: germline.
Comment: This sequence change replaces histidine, which is basic and polar, with arginine, which is basic and polar, at codon 1822 of the BRCA1 protein (p.His1822Arg). This variant is not present in population databases (gnomAD no frequency). This variant has not been reported in the literature in individuals affected with BRCA1-related conditions. ClinVar contains an entry for this variant (Variation ID: 868521). Algorithms developed to predict the effect of missense changes on protein structure and function output the following: SIFT: "Tolerated"; PolyPhen-2: "Possibly Damaging"; Align-GVGD: "Class C0". The arginine amino acid residue is found in multiple mammalian species, which suggests that this missense change does not adversely affect protein function. Experimental studies have shown that this missense change does not substantially affect BRCA1 function (PMID: 30209399). In summary, the available evidence is currently insufficient to determine the role of this variant in disease. Therefore, it has been classified as a Variant of Uncertain Significance.

Ambry Genetics
Classification: Likely benign for Hereditary cancer-predisposing syndrome. Last evaluated: 2021-05-20. Review status: criteria provided, single submitter. Criteria: Ambry Variant Classification Scheme 2023. Collection method: clinical testing. Allele origin: germline.

Brotman Baty Institute, University of Washington
No classification provided (evidence only). Condition: Breast-ovarian cancer, familial 1. Review status: no classification provided. Collection method: in vitro. Allele origin: not applicable. Functional consequence: functionally_normal. Not counted in ClinVar's aggregate classification.
ClinVar note: "not provided" was previously submitted as the classification for the variant. However, the classification appeared to be based only on an observation of functional data so it was converted to no classification on 2025-07-30.

Literature cited by the submitters: PubMed 30209399 (cited by Labcorp Genetics (formerly Invitae), Labcorp and Ambry Genetics).